The following is an entry in ClinVar:

ClinVar aggregate classification (germline): Uncertain significance (1 of 4 stars; one submission).

Conditions:
Chédiak-Higashi syndrome (CHS). Also called: Chediak-Higashi Syndrome. Identifiers: Orphanet 167, MedGen C0007965, MONDO:0008963, OMIM 214500.

Submission:

Labcorp Genetics (formerly Invitae), Labcorp
Classification: Uncertain significance for Chédiak-Higashi syndrome. Last evaluated: 2022-08-21. Review status: criteria provided, single submitter. Criteria: Invitae Variant Classification Sherloc (09022015). Collection method: clinical testing. Allele origin: germline.
Comment: This sequence change replaces glycine, which is neutral and non-polar, with glutamic acid, which is acidic and polar, at codon 1896 of the LYST protein (p.Gly1896Glu). This variant is not present in population databases (gnomAD no frequency). This variant has not been reported in the literature in individuals affected with LYST-related conditions. Algorithms developed to predict the effect of missense changes on protein structure and function are either unavailable or do not agree on the potential impact of this missense change (SIFT: "Tolerated"; PolyPhen-2: "Possibly Damaging"; Align-GVGD: "Class C0"). In summary, the available evidence is currently insufficient to determine the role of this variant in disease. Therefore, it has been classified as a Variant of Uncertain Significance.

NM_000081.4(LYST):c.5687G>A (p.Gly1896Glu)

Gene: LYST (lysosomal trafficking regulator; minus strand). Cytogenetic location: 1q42.3.
Variant type: single nucleotide variant.
Coding change: c.5687G>A on transcript NM_000081.4 (MANE Select); coding-DNA position 5687, G replaced by A.
Protein change: p.Gly1896Glu; replaces glycine 1896 with glutamic acid.
Molecular consequence: missense variant.
Genome position (GRCh38, 1-based): chr1:235,773,939, C>T on the plus strand (G>A on the coding strand, the complement: LYST is on the minus strand). VCF-style: chr1-235773939-C-T. GRCh37 (hg19) VCF-style: chr1-235937239-C-T.
Other names: c.5687G>A, p.Gly1896Glu (NM_001301365.1); short protein forms G1896E.
Identifiers: ClinVar variation 1717270 (VCV001717270.3), dbSNP rs2103437340, ClinGen allele CA344950539.